The following is an entry in ClinVar:

NM_000222.3(KIT):c.396G>T (p.Thr132=)

Gene: KIT (KIT proto-oncogene, receptor tyrosine kinase; plus strand). Cytogenetic location: 4q12.
Variant type: single nucleotide variant.
Coding change: c.396G>T on transcript NM_000222.3 (MANE Select); coding-DNA position 396, G replaced by T.
Protein change: p.Thr132=; no amino-acid change (threonine 132 retained).
Molecular consequence: synonymous variant.
Genome position (GRCh38, 1-based): chr4:54,698,342, G>T. VCF-style: chr4-54698342-G-T. GRCh37 (hg19) VCF-style: chr4-55564508-G-T.
Other names: c.396G>T, p.Thr132= (NM_001093772.2, NM_001385284.1, NM_001385285.1 and 4 more transcripts).
Identifiers: ClinVar variation 237275 (VCV000237275.15), dbSNP rs149172424, ClinGen allele CA10582251.
Genomic context (GRCh38, chr4:54,698,342, plus strand): 5'-AGATCCTGCCAAGCTTTTCCTTGTTGACCGCTCCTTGTATGGGAAAGAAGACAACGACAC[G>T]CTGGTCCGCTGTCCTCTCACAGACCCAGAAGTGACCAATTATTCCCTCAAGGGGTGCCAG-3'
Protein context (NP_000213.1, residues 122-142): RSLYGKEDND[Thr132=]LVRCPLTDPE

ClinVar aggregate classification (germline): Benign/Likely benign. Review status: criteria provided, multiple submitters, no conflicts (2 of 4 stars). 3 submissions from 3 submitters: Benign (1); Likely benign (2). Last evaluated 2026-06-03.

Conditions:
Hereditary cancer-predisposing syndrome. Also called: Neoplastic Syndromes, Hereditary; Hereditary neoplastic syndrome; Hereditary Cancer Syndrome; Tumor predisposition. Identifiers: Orphanet 140162, MedGen C0027672, MeSH D009386, MONDO:0015356.
Gastrointestinal stromal tumor. Also called: Gastrointestinal stromal tumor, somatic; Gastrointestinal stroma tumor. Identifiers: Orphanet 44890, MedGen C0238198, MeSH D046152, MONDO:0011719, OMIM 606764, HP:0100723.

Allele frequency attached by ClinVar (database versions not stated): TOPMed 0.00001.
gnomAD v4.1: 2 of 1,614,012 alleles (0.00012%); highest among the groups gnomAD compares: African/African-American, 0.0027%; no homozygotes.

Submissions (3):

Myriad Genetics, Inc.
Classification: Benign for Gastrointestinal stromal tumor. Last evaluated: 2026-06-03. Review status: criteria provided, single submitter. Criteria: Myriad Autosomal Dominant, Autosomal Recessive and X-Linked Classification Criteria (2023). Collection method: clinical testing. Allele origin: unknown.
Comment: This variant is considered benign. This variant is a silent/synonymous amino acid change and it is not expected to impact splicing.

Labcorp Genetics (formerly Invitae), Labcorp
Classification: Likely benign for Gastrointestinal stromal tumor. Last evaluated: 2025-02-20. Review status: criteria provided, single submitter. Criteria: Invitae Variant Classification Sherloc (09022015). Collection method: clinical testing. Allele origin: germline.

Ambry Genetics
Classification: Likely benign for Hereditary cancer-predisposing syndrome. Last evaluated: 2022-03-16. Review status: criteria provided, single submitter. Criteria: Ambry Variant Classification Scheme 2023. Collection method: clinical testing. Allele origin: germline.